The following is an entry in ClinVar:

ClinVar aggregate classification (germline): Likely benign (1 of 4 stars; one submission).

Conditions:
Hypophosphatemic nephrolithiasis/osteoporosis 1. Identifiers: Orphanet 244305, MedGen C2676786, MONDO:0012850, OMIM 612286.

Allele frequency attached by ClinVar (database versions not stated): TOPMed below 0.00001; gnomAD 0.00001; gnomAD exomes 0.00003; ExAC 0.00006.
gnomAD v4.1: 43 of 1,614,094 alleles (0.0027%); highest among the groups gnomAD compares: Non-Finnish European, 0.0036%; no homozygotes.

Submissions (2):

Illumina Laboratory Services, Illumina
Classification: Likely benign for Hypophosphatemic nephrolithiasis/osteoporosis 1. Last evaluated: 2018-01-13. Review status: criteria provided, single submitter. Criteria: ICSL Variant Classification Criteria 13 December 2019. Collection method: clinical testing. Allele origin: germline.
Comment: This variant was observed in the ICSL laboratory as part of a predisposition screen in an ostensibly healthy population. It had not been previously curated by ICSL or reported in the Human Gene Mutation Database (HGMD: prior to June 1st, 2018), and was therefore a candidate for classification through an automated scoring system. Utilizing variant allele frequency, disease prevalence and penetrance estimates, and inheritance mode, an automated score was calculated to assess if this variant is too frequent to cause the disease. Based on the score and internal cut-off values, a variant classified as likely benign is not then subjected to further curation. The score for this variant resulted in a classification of likely benign for this disease.

Dr. Peter K. Rogan Lab, Western University
No classification provided (evidence only). Condition: Nonpapillary renal cell carcinoma. Review status: no classification provided. Collection method: in vitro. Allele origin: not applicable. Functional consequence: retained intron. Not counted in ClinVar's aggregate classification.

NM_003052.5(SLC34A1):c.397G>A (p.Ala133Thr)

Gene: SLC34A1 (solute carrier family 34 member 1; plus strand). Cytogenetic location: 5q35.3.
Variant type: single nucleotide variant.
Coding change: c.397G>A on transcript NM_003052.5 (MANE Select); coding-DNA position 397, G replaced by A.
Protein change: p.Ala133Thr; replaces alanine 133 with threonine.
Molecular consequence: missense variant.
Genome position (GRCh38, 1-based): chr5:177,386,431, G>A. VCF-style: chr5-177386431-G-A. GRCh37 (hg19) VCF-style: chr5-176813432-G-A.
Other names: NC_000005.9:g.176813432G>A; c.397G>A, p.Ala133Thr (NM_001167579.2); short protein forms A133T.
Identifiers: ClinVar variation 905096 (VCV000905096.5), dbSNP rs771178295, ClinGen allele CA3580375.